The following is an entry in ClinVar:

NM_015271.5(TRIM2):c.2215C>T (p.Pro739Ser)

Gene: TRIM2 (tripartite motif containing 2; plus strand). Cytogenetic location: 4q31.3.
Variant type: single nucleotide variant.
Coding change: c.2215C>T on transcript NM_015271.5 (MANE Select); coding-DNA position 2215, C replaced by T.
Protein change: p.Pro739Ser; replaces proline 739 with serine.
Molecular consequence: missense variant.
Genome position (GRCh38, 1-based): chr4:153,334,865, C>T. VCF-style: chr4-153334865-C-T. GRCh37 (hg19) VCF-style: chr4-154256017-C-T.
Other names: c.2134C>T, p.Pro712Ser (NM_001130067.2); c.2200C>T, p.Pro734Ser (NM_001351054.2); c.2197C>T, p.Pro733Ser (NM_001351055.2); c.2146C>T, p.Pro716Ser (NM_001351056.2); c.1759C>T, p.Pro587Ser (NM_001351057.2); c.2215C>T (NM_015271.3); short protein forms P734S, P587S, P712S, P716S, P733S, P739S.
Identifiers: ClinVar variation 653645 (VCV000653645.11), dbSNP rs199912457, ClinGen allele CA3108934.

ClinVar aggregate classification (germline): Uncertain significance. Review status: criteria provided, multiple submitters, no conflicts (2 of 4 stars). 2 submissions from 2 submitters: Uncertain significance (2). Last evaluated 2025-10-27.

Conditions:
Charcot-Marie-Tooth disease type 2R. Also called: Charcot-Marie-Tooth disease, axonal, type 2R; CHARCOT-MARIE-TOOTH NEUROPATHY, TYPE 2R; CHARCOT-MARIE-TOOTH DISEASE, AXONAL, AUTOSOMAL RECESSIVE, TYPE 2R. Identifiers: Orphanet 397968, MedGen C3809655, MONDO:0014208, OMIM 615490.

Allele frequency attached by ClinVar (database versions not stated): ExAC 0.00012; TOPMed 0.00042; 1000 Genomes Project 30x 0.00062; gnomAD 0.00035; ESP Exome Variant Server 0.00038; gnomAD exomes 0.00006 and 0.00010; 1000 Genomes Project 0.00040.
gnomAD v4.1: 165 of 1,613,934 alleles (0.01%); highest among the groups gnomAD compares: African/African-American, 0.17%; no homozygotes.

Submissions (2):

Labcorp Genetics (formerly Invitae), Labcorp
Classification: Uncertain significance for Charcot-Marie-Tooth disease type 2R. Last evaluated: 2025-10-27. Review status: criteria provided, single submitter. Criteria: Invitae Variant Classification Sherloc (09022015). Collection method: clinical testing. Allele origin: germline.
Comment: This sequence change replaces proline, which is neutral and non-polar, with serine, which is neutral and polar, at codon 712 of the TRIM2 protein (p.Pro712Ser). This variant is present in population databases (rs199912457, gnomAD 0.1%), and has an allele count higher than expected for a pathogenic variant. This variant has not been reported in the literature in individuals affected with TRIM2-related conditions. ClinVar contains an entry for this variant (Variation ID: 653645). An algorithm developed to predict the effect of missense changes on protein structure and function (PolyPhen-2) suggests that this variant is likely to be tolerated. In summary, the available evidence is currently insufficient to determine the role of this variant in disease. Therefore, it has been classified as a Variant of Uncertain Significance.

Ambry Genetics
Classification: Uncertain significance. Last evaluated: 2025-03-20. Review status: criteria provided, single submitter. Criteria: Ambry Variant Classification Scheme 2023. Collection method: clinical testing. Allele origin: germline.